The following is an entry in ClinVar:

ClinVar aggregate classification (germline): Uncertain significance (1 of 4 stars; one submission).

Submission:

GeneDx
Classification: Uncertain significance. Last evaluated: 2017-06-22. Review status: criteria provided, single submitter. Criteria: GeneDx Variant Classification (06012015). Collection method: clinical testing. Allele origin: germline. Affected: yes.
Comment: A variant of uncertain significance has been identified in the EEF1A2 gene. The I320L variant has not been published as a pathogenic variant, nor has it been reported as a benign variant to our knowledge. The I320L variant is not observed in large population cohorts (Lek et al., 2016; 1000 Genomes Consortium et al., 2015; Exome Variant Server). This substitution occurs at a position that is conserved across species. However, the I320L variant is a conservative amino acid substitution, which is not likely to impact secondary protein structure as these residues share similar properties. In silico analysis is inconsistent in its predictions as to whether or not the variant is damaging to the protein structure/function. Therefore, based on the currently available information, it is unclear whether this variant is a pathogenic variant or a rare benign variant.

NM_001958.5(EEF1A2):c.958A>C (p.Ile320Leu)

Gene: EEF1A2 (eukaryotic translation elongation factor 1 alpha 2; minus strand). Cytogenetic location: 20q13.33.
Variant type: single nucleotide variant.
Coding change: c.958A>C on transcript NM_001958.5 (MANE Select); coding-DNA position 958, A replaced by C.
Protein change: p.Ile320Leu; replaces isoleucine 320 with leucine.
Molecular consequence: missense variant.
Genome position (GRCh38, 1-based): chr20:63,490,550, T>G on the plus strand (A>C on the coding strand, the complement: EEF1A2 is on the minus strand). VCF-style: chr20-63490550-T-G. GRCh37 (hg19) VCF-style: chr20-62121903-T-G.
Other names: short protein forms I320L.
Identifiers: ClinVar variation 432915 (VCV000432915.2), dbSNP rs935904739, ClinGen allele CA409647337.
Genomic context (GRCh38, chr20:63,490,550, plus strand): 5'-ACTGAGCAGCCTCCTGCGGCGGGTCAGACTTGCTGTCCCCACACACGTTGCCCCGCCGGA[T>G]GTCCTTCACCGACACGTTCTTCACATTGAAGCCGACGTTGTCGCCGGGCAGAGCTTCGCT-3'
Protein context (NP_001949.1, residues 310-330): FNVKNVSVKD[Ile320Leu]RRGNVCGDSK